The following is an entry in ClinVar:

NR_033294.2(SNORD118):n.117C>T

Genes: SNORD118 (small nucleolar RNA, C/D box 118; minus strand), TMEM107 (transmembrane protein 107; minus strand). Cytogenetic location: 17p13.1.
Variant type: single nucleotide variant.
Molecular consequence: non-coding transcript variant (on NR_033294.2). On other transcripts: 3 prime UTR variant (5).
Genome position: GRCh38 VCF-style: chr17-8173472-G-A. GRCh37 (hg19) VCF-style: chr17-8076790-G-A.
Other names: c.*731C>T (NM_001351278.2, NM_001351279.2, NM_001351280.2 and 2 more transcripts).
Identifiers: ClinVar variation 1347500 (VCV001347500.4), dbSNP rs190182110, ClinGen allele CA8370591.

ClinVar aggregate classification (germline): Uncertain significance. Review status: criteria provided, multiple submitters, no conflicts (2 of 4 stars). 2 submissions from 2 submitters: Uncertain significance (2). Last evaluated 2024-09-17.

Allele frequency attached by ClinVar (database versions not stated): ESP Exome Variant Server 0.00052; 1000 Genomes Project 0.00060; 1000 Genomes Project 30x 0.00078.
gnomAD v4.1: 271 of 764,638 alleles (0.035%); highest among the groups gnomAD compares: Admixed American, 0.078%; no homozygotes.

Submissions (2):

Blueprint Genetics
Classification: Uncertain significance. Last evaluated: 2024-09-17. Review status: criteria provided, single submitter. Criteria: ACMG Guidelines, 2015. Collection method: clinical testing. Allele origin: germline.

Labcorp Genetics (formerly Invitae), Labcorp
Classification: Uncertain significance. Last evaluated: 2022-08-09. Review status: criteria provided, single submitter. Criteria: Invitae Variant Classification Sherloc (09022015). Collection method: clinical testing. Allele origin: germline.
Comment: This variant occurs in the SNORD118 gene, which encodes an RNA molecule that does not result in a protein product. This variant is present in population databases (rs190182110, gnomAD 0.1%). This variant has not been reported in the literature in individuals affected with SNORD118-related conditions. ClinVar contains an entry for this variant (Variation ID: 1347500). Experimental studies and prediction algorithms are not available or were not evaluated, and the functional significance of this variant is currently unknown. In summary, the available evidence is currently insufficient to determine the role of this variant in disease. Therefore, it has been classified as a Variant of Uncertain Significance.